The following is an entry in ClinVar:

ClinVar aggregate classification (germline): Benign/Likely benign. Review status: criteria provided, multiple submitters, no conflicts (2 of 4 stars). 5 submissions from 5 submitters: Benign (1); Likely benign (3). 1 of the submissions does not count toward it. Last evaluated 2025-08-14.

Conditions:
Hereditary cancer-predisposing syndrome. Also called: Neoplastic Syndromes, Hereditary; Tumor predisposition; Hereditary Cancer Syndrome; Hereditary neoplastic syndrome. Identifiers: Orphanet 140162, MedGen C0027672, MeSH D009386, MONDO:0015356.
Hereditary nonpolyposis colorectal neoplasms. Identifiers: MedGen C0009405, MeSH D003123.
MSH6-related disorder. Also called: MSH6-related condition; MSH6-Related disorders.
Lynch syndrome. Identifiers: Orphanet 144, MedGen C4552100, MONDO:0005835. Disease mechanism: loss of function.
Lynch syndrome 5 (LYNCH5). Also called: Colorectal cancer, hereditary nonpolyposis, type 5; Hereditary non-polyposis colorectal cancer, type 5. Identifiers: Orphanet 144, MedGen C1833477, MONDO:0013710, OMIM 614350. Disease mechanism: loss of function.

Allele frequency attached by ClinVar (database versions not stated): gnomAD exomes below 0.00001 and 0.00001; TOPMed below 0.00001; ExAC 0.00001.
gnomAD v4.1: 2 of 1,614,028 alleles (0.00012%); highest among the groups gnomAD compares: Admixed American, 0.0033%; no homozygotes.

Submissions (5):

Labcorp Genetics (formerly Invitae), Labcorp
Classification: Likely benign for Hereditary nonpolyposis colorectal neoplasms. Last evaluated: 2025-08-14. Review status: criteria provided, single submitter. Criteria: Invitae Variant Classification Sherloc (09022015). Collection method: clinical testing. Allele origin: germline.

Myriad Genetics, Inc.
Classification: Benign for Lynch syndrome 5. Last evaluated: 2025-01-03. Review status: criteria provided, single submitter. Criteria: Myriad Autosomal Dominant, Autosomal Recessive and X-Linked Classification Criteria (2023). Collection method: clinical testing. Allele origin: unknown.
Comment: This variant is considered benign. This variant is a silent/synonymous amino acid change and it is not expected to impact splicing.

All of Us Research Program, National Institutes of Health
Classification: Likely benign for Lynch syndrome. Last evaluated: 2024-03-28. Review status: criteria provided, single submitter. Criteria: ACMG Guidelines, 2015. Collection method: clinical testing. Allele origin: germline. Inheritance: Autosomal dominant inheritance. Observed: 3 variant alleles, 3 heterozygotes.
Comment: This study involves interpretation of variants in research participants for the purpose of population health screening. Participant phenotype was not available at the time of variant classification. Additional details can be found in publication PMID: 35346344, PMCID: PMC8962531

Ambry Genetics
Classification: Likely benign for Hereditary cancer-predisposing syndrome. Last evaluated: 2021-01-20. Review status: criteria provided, single submitter. Criteria: Ambry Variant Classification Scheme 2023. Collection method: clinical testing. Allele origin: germline.

PreventionGenetics, part of Exact Sciences
Classification: Likely benign for MSH6-related condition. Last evaluated: 2019-06-11. Review status: no assertion criteria provided. Collection method: clinical testing. Allele origin: germline. Not counted in ClinVar's aggregate classification.
Comment: This variant is classified as likely benign based on ACMG/AMP sequence variant interpretation guidelines (Richards et al. 2015 PMID: 25741868, with internal and published modifications).

NM_000179.3(MSH6):c.2871A>G (p.Lys957=)

Gene: MSH6 (mutS homolog 6; plus strand). Cytogenetic location: 2p16.3.
Variant type: single nucleotide variant.
Coding change: c.2871A>G on transcript NM_000179.3 (MANE Select); coding-DNA position 2871, A replaced by G.
Protein change: p.Lys957=; no amino-acid change (lysine 957 retained).
Molecular consequence: synonymous variant.
Genome position (GRCh38, 1-based): chr2:47,800,854, A>G. VCF-style: chr2-47800854-A-G. GRCh37 (hg19) VCF-style: chr2-48027993-A-G.
Other names: c.2481A>G, p.Lys827= (NM_001281492.2); c.1965A>G, p.Lys655= (NM_001281493.2, NM_001281494.2).
Identifiers: ClinVar variation 525925 (VCV000525925.18), dbSNP rs778079788, ClinGen allele CA069726.